The following is an entry in ClinVar:

ClinVar aggregate classification (germline): Uncertain significance (1 of 4 stars; one submission).

Allele frequency attached by ClinVar (database versions not stated): ExAC 0.00001; gnomAD 0.00001; gnomAD exomes 0.00001.
gnomAD v4.1: 6 of 1,614,044 alleles (0.00037%); highest among the groups gnomAD compares: African/African-American, 0.0067%; no homozygotes.

Submission:

Labcorp Genetics (formerly Invitae), Labcorp
Classification: Uncertain significance. Last evaluated: 2022-03-02. Review status: criteria provided, single submitter. Criteria: Invitae Variant Classification Sherloc (09022015). Collection method: clinical testing. Allele origin: germline.
Comment: This sequence change replaces threonine, which is neutral and polar, with isoleucine, which is neutral and non-polar, at codon 1173 of the VCAN protein (p.Thr1173Ile). This variant is present in population databases (rs772488314, gnomAD 0.01%). This variant has not been reported in the literature in individuals affected with VCAN-related conditions. Algorithms developed to predict the effect of missense changes on protein structure and function output the following: SIFT: "Tolerated"; PolyPhen-2: "Benign"; Align-GVGD: "Class C0". The isoleucine amino acid residue is found in multiple mammalian species, which suggests that this missense change does not adversely affect protein function. In summary, the available evidence is currently insufficient to determine the role of this variant in disease. Therefore, it has been classified as a Variant of Uncertain Significance.

NM_004385.5(VCAN):c.3518C>T (p.Thr1173Ile)

Gene: VCAN (versican; plus strand). Cytogenetic location: 5q14.3.
Variant type: single nucleotide variant.
Coding change: c.3518C>T on transcript NM_004385.5 (MANE Select); coding-DNA position 3518, C replaced by T.
Protein change: p.Thr1173Ile; replaces threonine 1173 with isoleucine.
Molecular consequence: missense variant. On other transcripts: intron variant (2).
Genome position (GRCh38, 1-based): chr5:83,521,824, C>T. VCF-style: chr5-83521824-C-T. GRCh37 (hg19) VCF-style: chr5-82817643-C-T.
Other names: c.3518C>T, p.Thr1173Ile (NM_001164098.2); c.1042+9428C>T (NM_001164097.2, NM_001126336.3); short protein forms T1173I.
Identifiers: ClinVar variation 1360607 (VCV001360607.6), dbSNP rs772488314, ClinGen allele CA3333018.